The following is an entry in ClinVar:

ClinVar aggregate classification (germline): Uncertain significance. Review status: criteria provided, multiple submitters, no conflicts (2 of 4 stars). 3 submissions from 3 submitters: Uncertain significance (3). Last evaluated 2025-08-28.

Conditions:
Inborn genetic diseases. Identifiers: MedGen C0950123, MeSH D030342.

Allele frequency attached by ClinVar (database versions not stated): ExAC 0.00001; gnomAD exomes 0.00001; TOPMed 0.00001.
gnomAD v4.1: 21 of 1,613,804 alleles (0.0013%); highest among the groups gnomAD compares: Middle Eastern, 0.033%; no homozygotes.

Submissions (3):

Ambry Genetics
Classification: Uncertain significance for Inborn genetic diseases. Last evaluated: 2025-08-28. Review status: criteria provided, single submitter. Criteria: Ambry Variant Classification Scheme 2023. Collection method: clinical testing. Allele origin: germline.

Labcorp Genetics (formerly Invitae), Labcorp
Classification: Uncertain significance. Last evaluated: 2023-08-04. Review status: criteria provided, single submitter. Criteria: Invitae Variant Classification Sherloc (09022015). Collection method: clinical testing. Allele origin: germline.
Comment: In summary, the available evidence is currently insufficient to determine the role of this variant in disease. Therefore, it has been classified as a Variant of Uncertain Significance. Algorithms developed to predict the effect of missense changes on protein structure and function output the following: SIFT: "Not Available"; PolyPhen-2: "Benign"; Align-GVGD: "Not Available". The threonine amino acid residue is found in multiple mammalian species, which suggests that this missense change does not adversely affect protein function. ClinVar contains an entry for this variant (Variation ID: 1423373). This variant has not been reported in the literature in individuals affected with GRXCR1-related conditions. This variant is present in population databases (rs780773643, gnomAD 0.006%). This sequence change replaces isoleucine, which is neutral and non-polar, with threonine, which is neutral and polar, at codon 52 of the GRXCR1 protein (p.Ile52Thr).

GeneDx
Classification: Uncertain significance. Last evaluated: 2022-06-16. Review status: criteria provided, single submitter. Criteria: GeneDx Variant Classification Process June 2021. Collection method: clinical testing. Allele origin: germline. Affected: yes.
Comment: Not observed at significant frequency in large population cohorts (gnomAD); In silico analysis supports that this missense variant does not alter protein structure/function; Has not been previously published as pathogenic or benign to our knowledge

NM_001080476.3(GRXCR1):c.155T>C (p.Ile52Thr)

Gene: GRXCR1 (glutaredoxin and cysteine rich domain containing 1; plus strand). Cytogenetic location: 4p13.
Variant type: single nucleotide variant.
Coding change: c.155T>C on transcript NM_001080476.3 (MANE Select); coding-DNA position 155, T replaced by C.
Protein change: p.Ile52Thr; replaces isoleucine 52 with threonine.
Molecular consequence: missense variant.
Genome position (GRCh38, 1-based): chr4:42,893,421, T>C. VCF-style: chr4-42893421-T-C. GRCh37 (hg19) VCF-style: chr4-42895438-T-C.
Other names: short protein forms I52T.
Identifiers: ClinVar variation 1423373 (VCV001423373.11), dbSNP rs780773643, ClinGen allele CA2904329.
Genomic context (GRCh38, chr4:42,893,421, plus strand): 5'-TGTATGAAGATGGGCAACCGTCAGGCTCTCTGGATTCTGAATGTGCCAGTATCTGTGGGA[T>C]AGATGGACTAGGTGATTCCGATGGACAGCAGAATGGCCACATAGAGTCAGAAGGTGATGA-3'
Protein context (NP_001073945.1, residues 42-62): LDSECASICG[Ile52Thr]DGLGDSDGQQ